The following is an entry in ClinVar:

ClinVar aggregate classification (germline): Pathogenic. Review status: criteria provided, multiple submitters, no conflicts (2 of 4 stars). 2 submissions from 2 submitters: Pathogenic (2). Last evaluated 2025-08-29.

Conditions:
Adult hypophosphatasia. Identifiers: Orphanet 247676, Orphanet 436, MedGen C0268413, MONDO:1010154, OMIM 146300, MONDO:0007798.
Hypophosphatasia. Also called: Phosphoethanol-aminuria. Identifiers: Orphanet 436, MedGen C0020630, MeSH D007014, MONDO:0018570.

Submissions (2):

Genomenon, Inc
Classification: Pathogenic for Hypophosphatasia. Last evaluated: 2025-08-29. Review status: criteria provided, single submitter. Criteria: Genomenon Sequence Variant Interpretation Standards. Collection method: curation. Allele origin: germline. Affected: yes.
Comment: ALPL c.298-1G>A is a canonical splice variant located in the acceptor splice region of intron 4. This variant has been observed in at least one proband affected with hypophosphatasia (PMID:22300680). It is absent or not present at a significant frequency in gnomAD. In conclusion, we classify ALPL c.298-1G>A as a pathogenic variant.

Baylor Genetics
Classification: Pathogenic for Adult hypophosphatasia. Last evaluated: 2022-04-01. Review status: criteria provided, single submitter. Criteria: ACMG Guidelines, 2015. Collection method: clinical testing. Allele origin: unknown.

Literature cited by the submitters: PubMed 22300680 (cited by Genomenon, Inc).

NM_000478.6(ALPL):c.298-1G>A

Gene: ALPL (alkaline phosphatase, biomineralization associated; plus strand). Cytogenetic location: 1p36.12.
Variant type: single nucleotide variant.
Coding change: c.298-1G>A on transcript NM_000478.6 (MANE Select); the canonical splice acceptor site of the intron before coding-DNA position 298, G replaced by A.
Molecular consequence: splice acceptor variant.
Genome position (GRCh38, 1-based): chr1:21,563,109, G>A. VCF-style: chr1-21563109-G-A. GRCh37 (hg19) VCF-style: chr1-21889602-G-A.
Other names: c.298-1G>A (NM_001369805.2, NM_001369804.2, NM_001369803.2); c.133-1G>A (NM_001127501.4); c.67-1G>A (NM_001177520.3).
Identifiers: ClinVar variation 2676694 (VCV002676694.2), dbSNP rs2545298389, ClinGen allele CA338877043.